The following is an entry in ClinVar:

ClinVar aggregate classification (germline): Uncertain significance (1 of 4 stars; one submission).

Conditions:
Severe combined immunodeficiency due to DCLRE1C deficiency (RS-SCID). Also called: SCID, AUTOSOMAL RECESSIVE, T CELL-NEGATIVE, B CELL-NEGATIVE, NK CELL-POSITIVE, WITH SENSITIVITY TO IONIZING RADIATION. Identifiers: Orphanet 275, MedGen C1865371, MONDO:0011225, OMIM 602450.

Submission:

Labcorp Genetics (formerly Invitae), Labcorp
Classification: Uncertain significance for Athabaskan severe combined immunodeficiency. Last evaluated: 2022-07-25. Review status: criteria provided, single submitter. Criteria: Invitae Variant Classification Sherloc (09022015). Collection method: clinical testing. Allele origin: germline.
Comment: This variant results in a copy number gain of the genomic region encompassing exon(s) 1-4 of the DCLRE1C gene. This region includes the initiator codon of the gene. This copy number gain extends beyond the assayed region for this gene and therefore may encompass additional genes. As the precise location of this event is unknown, it may be in tandem or it may be located elsewhere in the genome. This variant has not been reported in the literature in individuals affected with DCLRE1C-related conditions. Experimental studies and prediction algorithms are not available or were not evaluated, and the functional significance of this variant is currently unknown. In summary, the available evidence is currently insufficient to determine the role of this variant in disease. Therefore, it has been classified as a Variant of Uncertain Significance.

NC_000010.10:g.(?_14981789)_(14996009_?)dup

Gene: DCLRE1C (DNA cross-link repair 1C; minus strand). Cytogenetic location: 10p13.
Variant type: Duplication.
Identifiers: ClinVar variation 1373401 (VCV001373401.4).